The following is an entry in ClinVar:

ClinVar aggregate classification (germline): Uncertain significance. Review status: criteria provided, multiple submitters, no conflicts (2 of 4 stars). 3 submissions from 3 submitters: Uncertain significance (3). Last evaluated 2024-07-17.

Conditions:
CHIME syndrome (CHIME). Also called: GLYCOSYLPHOSPHATIDYLINOSITOL BIOSYNTHESIS DEFECT 5; COLOBOMA, CONGENITAL HEART DISEASE, ICHTHYOSIFORM DERMATOSIS, IMPAIRED INTELLECTUAL DEVELOPMENT, AND EAR ANOMALIES SYNDROME. Identifiers: Orphanet 3474, MedGen C1848392, MONDO:0010221, OMIM 280000.

Allele frequency attached by ClinVar (database versions not stated): gnomAD exomes 0.00001 and 0.00003; ExAC 0.00007; gnomAD 0.00007 and 0.00008; TOPMed 0.00007; ESP Exome Variant Server 0.00015.
gnomAD v4.1: 18 of 1,613,750 alleles (0.0011%); highest among the groups gnomAD compares: African/African-American, 0.024%; no homozygotes.

Submissions (3):

Mayo Clinic Laboratories, Mayo Clinic
Classification: Uncertain significance. Last evaluated: 2024-07-17. Review status: criteria provided, single submitter. Criteria: ACMG Guidelines, 2015. Collection method: clinical testing. Allele origin: germline. Observed: 1 variant allele.
Comment: BP4, PM2

Labcorp Genetics (formerly Invitae), Labcorp
Classification: Uncertain significance. Last evaluated: 2022-08-31. Review status: criteria provided, single submitter. Criteria: Invitae Variant Classification Sherloc (09022015). Collection method: clinical testing. Allele origin: germline.
Comment: ClinVar contains an entry for this variant (Variation ID: 159711). This variant has not been reported in the literature in individuals affected with PIGL-related conditions. Algorithms developed to predict the effect of missense changes on protein structure and function (SIFT, PolyPhen-2, Align-GVGD) all suggest that this variant is likely to be tolerated. In summary, the available evidence is currently insufficient to determine the role of this variant in disease. Therefore, it has been classified as a Variant of Uncertain Significance. This sequence change replaces glutamic acid, which is acidic and polar, with lysine, which is basic and polar, at codon 2 of the PIGL protein (p.Glu2Lys). This variant is present in population databases (rs150000731, gnomAD 0.03%).

Genetic Services Laboratory, University of Chicago
Classification: Uncertain significance for CHIME syndrome. Last evaluated: 2013-02-08. Review status: criteria provided, single submitter. Criteria: ACMG Guidelines, 2007. Collection method: clinical testing. Allele origin: germline. Inheritance: Autosomal recessive inheritance.

NM_004278.4(PIGL):c.4G>A (p.Glu2Lys)

Genes: PIGL (phosphatidylinositol glycan anchor biosynthesis class L; plus strand), LOC130060313 (ATAC-STARR-seq lymphoblastoid active region 11748; plus strand). Cytogenetic location: 17p11.2.
Variant type: single nucleotide variant.
Coding change: c.4G>A on transcript NM_004278.4 (MANE Select); coding-DNA position 4, G replaced by A.
Protein change: p.Glu2Lys; replaces glutamic acid 2 with lysine.
Molecular consequence: missense variant.
Genome position (GRCh38, 1-based): chr17:16,217,230, G>A. VCF-style: chr17-16217230-G-A. GRCh37 (hg19) VCF-style: chr17-16120544-G-A.
Other names: p.Glu2Lys; short protein forms E2K.
Identifiers: ClinVar variation 159711 (VCV000159711.10), dbSNP rs150000731, ClinGen allele CA173168.